The following is an entry in ClinVar:

NM_016222.4(DDX41):c.1328C>T (p.Ala443Val)

Gene: DDX41 (DEAD-box helicase 41; minus strand). Cytogenetic location: 5q35.3.
Variant type: single nucleotide variant.
Coding change: c.1328C>T on transcript NM_016222.4 (MANE Select); coding-DNA position 1328, C replaced by T.
Protein change: p.Ala443Val; replaces alanine 443 with valine.
Molecular consequence: missense variant.
Genome position (GRCh38, 1-based): chr5:177,512,851, G>A on the plus strand (C>T on the coding strand, the complement: DDX41 is on the minus strand). VCF-style: chr5-177512851-G-A. GRCh37 (hg19) VCF-style: chr5-176939852-G-A.
Other names: c.950C>T, p.Ala317Val (NM_001321732.2, NM_001321830.2); short protein forms A443V, A317V.
Identifiers: ClinVar variation 4617202 (VCV004617202.1).
Genomic context (GRCh38, chr5:177,512,851, plus strand): 5'-TGGATGGCTACGGCCTCAACCCCCTTGAGCAGCAGGTACTCGTGGATGGCGTCCACGTCT[G>A]CCTTCTTCTCTGCAAAGATGAGTACCTGTCCGGAAAGACCAACTCCAGTCAGGGGCTAAC-3'
Protein context (NP_057306.2, residues 433-453): PPVLIFAEKK[Ala443Val]DVDAIHEYLL

ClinVar aggregate classification (germline): Uncertain significance (1 of 4 stars; one submission).

Conditions:
Inborn genetic diseases. Identifiers: MedGen C0950123, MeSH D030342.

gnomAD v4.1: 1 of 1,613,996 alleles (0.000062%); highest among the groups gnomAD compares: Non-Finnish European, 0.000085%; no homozygotes.

Submission:

Ambry Genetics
Classification: Uncertain significance for Inborn genetic diseases. Last evaluated: 2025-11-18. Review status: criteria provided, single submitter. Criteria: Ambry Variant Classification Scheme 2023. Collection method: clinical testing. Allele origin: germline.
Comment: The p.A443V variant (also known as c.1328C>T), located in coding exon 13 of the DDX41 gene, results from a C to T substitution at nucleotide position 1328. The alanine at codon 443 is replaced by valine, an amino acid with similar properties. This amino acid position is conserved. In addition, the in silico prediction for this alteration is inconclusive. Based on the available evidence, the clinical significance of this variant remains unclear.